The following is an entry in ClinVar:

ClinVar aggregate classification (germline): Uncertain significance (1 of 4 stars; one submission).

Conditions:
Deficiency of isobutyryl-CoA dehydrogenase. Also called: ACAD8 DEFICIENCY; IBD DEFICIENCY; ACYL-CoA DEHYDROGENASE FAMILY, MEMBER 8, DEFICIENCY OF. Identifiers: Orphanet 79159, MedGen C1969809, MONDO:0012648, OMIM 611283.

Allele frequency attached by ClinVar (database versions not stated): ExAC 0.00001; gnomAD 0.00001; gnomAD exomes 0.00001; TOPMed 0.00002.
gnomAD v4.1: 19 of 1,614,026 alleles (0.0012%); highest among the groups gnomAD compares: South Asian, 0.0055%; 1 homozygote.

Submission:

Labcorp Genetics (formerly Invitae), Labcorp
Classification: Uncertain significance for Deficiency of isobutyryl-CoA dehydrogenase. Last evaluated: 2022-08-16. Review status: criteria provided, single submitter. Criteria: Invitae Variant Classification Sherloc (09022015). Collection method: clinical testing. Allele origin: germline.
Comment: This sequence change replaces glycine, which is neutral and non-polar, with arginine, which is basic and polar, at codon 87 of the ACAD8 protein (p.Gly87Arg). This variant has not been reported in the literature in individuals affected with ACAD8-related conditions. This variant is present in population databases (rs747139706, gnomAD 0.006%). Algorithms developed to predict the effect of missense changes on protein structure and function are either unavailable or do not agree on the potential impact of this missense change (SIFT: "Deleterious"; PolyPhen-2: "Probably Damaging"; Align-GVGD: "Class C15"). In summary, the available evidence is currently insufficient to determine the role of this variant in disease. Therefore, it has been classified as a Variant of Uncertain Significance.

NM_014384.3(ACAD8):c.259G>A (p.Gly87Arg)

Gene: ACAD8 (acyl-CoA dehydrogenase family member 8; plus strand). Cytogenetic location: 11q25.
Variant type: single nucleotide variant.
Coding change: c.259G>A on transcript NM_014384.3 (MANE Select); coding-DNA position 259, G replaced by A.
Protein change: p.Gly87Arg; replaces glycine 87 with arginine.
Molecular consequence: missense variant.
Genome position (GRCh38, 1-based): chr11:134,257,136, G>A. VCF-style: chr11-134257136-G-A. GRCh37 (hg19) VCF-style: chr11-134127030-G-A.
Other names: short protein forms G87R.
Identifiers: ClinVar variation 2190529 (VCV002190529.4), dbSNP rs747139706, ClinGen allele CA6372889.